The following is an entry in ClinVar:

ClinVar aggregate classification (germline): Uncertain significance (1 of 4 stars; one submission).

Conditions:
Neuromuscular disease caused by qualitative or quantitative defects of dysferlin. Also called: Dysferlinopathy; Qualitative or quantitative defects of dysferlin. Identifiers: Orphanet 207073, MedGen C2931687, MONDO:0016145.

Allele frequency attached by ClinVar (database versions not stated): gnomAD exomes below 0.00001 and 0.00001; TOPMed below 0.00001.

Submission:

Labcorp Genetics (formerly Invitae), Labcorp
Classification: Uncertain significance for Neuromuscular disease caused by qualitative or quantitative defects of dysferlin. Last evaluated: 2021-11-14. Review status: criteria provided, single submitter. Criteria: Invitae Variant Classification Sherloc (09022015). Collection method: clinical testing. Allele origin: germline.
Comment: This sequence change replaces cysteine, which is neutral and slightly polar, with tyrosine, which is neutral and polar, at codon 1245 of the DYSF protein (p.Cys1245Tyr). This variant is present in population databases (no rsID available, gnomAD 0.006%). This variant has not been reported in the literature in individuals affected with DYSF-related conditions. Algorithms developed to predict the effect of missense changes on protein structure and function are either unavailable or do not agree on the potential impact of this missense change (SIFT: "Deleterious"; PolyPhen-2: "Probably Damaging"; Align-GVGD: "Class C0"). In summary, the available evidence is currently insufficient to determine the role of this variant in disease. Therefore, it has been classified as a Variant of Uncertain Significance.

NM_001130987.2(DYSF):c.3788G>A (p.Cys1263Tyr)

Gene: DYSF (dysferlin; plus strand). Cytogenetic location: 2p13.2.
Variant type: single nucleotide variant.
Coding change: c.3788G>A on transcript NM_001130987.2 (MANE Select); coding-DNA position 3788, G replaced by A.
Protein change: p.Cys1263Tyr; replaces cysteine 1263 with tyrosine.
Molecular consequence: missense variant.
Genome position (GRCh38, 1-based): chr2:71,600,733, G>A. VCF-style: chr2-71600733-G-A. GRCh37 (hg19) VCF-style: chr2-71827863-G-A.
Other names: c.3737G>A, p.Cys1246Tyr (NM_001130455.2, NM_001130983.2); c.3692G>A, p.Cys1231Tyr (NM_001130976.2, NM_001130977.2); c.3734G>A, p.Cys1245Tyr (NM_001130978.2, NM_003494.4); c.3827G>A, p.Cys1276Tyr (NM_001130979.2); c.3785G>A, p.Cys1262Tyr (NM_001130980.2, NM_001130981.2); c.3830G>A, p.Cys1277Tyr (NM_001130982.2); c.3695G>A, p.Cys1232Tyr (NM_001130984.2, NM_001130986.2); c.3788G>A, p.Cys1263Tyr (NM_001130985.2); short protein forms C1277Y, C1245Y, C1246Y, C1262Y, C1263Y, C1232Y, C1231Y, C1276Y.
Identifiers: ClinVar variation 1478928 (VCV001478928.3), dbSNP rs1417696397, ClinGen allele CA347224994.